The following is an entry in ClinVar:

ClinVar aggregate classification (germline): Uncertain significance (1 of 4 stars; one submission).

Conditions:
Hereditary cancer-predisposing syndrome. Also called: Hereditary Cancer Syndrome; Hereditary neoplastic syndrome; Neoplastic Syndromes, Hereditary; Tumor predisposition. Identifiers: Orphanet 140162, MedGen C0027672, MeSH D009386, MONDO:0015356.

Submission:

Ambry Genetics
Classification: Uncertain significance for Hereditary cancer-predisposing syndrome. Last evaluated: 2021-08-02. Review status: criteria provided, single submitter. Criteria: Ambry Variant Classification Scheme 2023. Collection method: clinical testing. Allele origin: germline.
Comment: The p.I478T variant (also known as c.1433T>C), located in coding exon 9 of the KIT gene, results from a T to C substitution at nucleotide position 1433. The isoleucine at codon 478 is replaced by threonine, an amino acid with similar properties. This amino acid position is conserved. In addition, this alteration is predicted to be tolerated by in silico analysis. Since supporting evidence is limited at this time, the clinical significance of this alteration remains unclear.

NM_000222.3(KIT):c.1433T>C (p.Ile478Thr)

Gene: KIT (KIT proto-oncogene, receptor tyrosine kinase; plus strand). Cytogenetic location: 4q12.
Variant type: single nucleotide variant.
Coding change: c.1433T>C on transcript NM_000222.3 (MANE Select); coding-DNA position 1433, T replaced by C.
Protein change: p.Ile478Thr; replaces isoleucine 478 with threonine.
Molecular consequence: missense variant.
Genome position (GRCh38, 1-based): chr4:54,725,943, T>C. VCF-style: chr4-54725943-T-C. GRCh37 (hg19) VCF-style: chr4-55592109-T-C.
Other names: c.1433T>C, p.Ile478Thr (NM_001093772.2, NM_001385285.1, NM_001385286.1); c.1436T>C, p.Ile479Thr (NM_001385284.1, NM_001385288.1, NM_001385290.1 and 1 more transcripts); short protein forms I479T, I478T.
Identifiers: ClinVar variation 1772561 (VCV001772561.2), dbSNP rs2109768912, ClinGen allele CA356906384.